The following is an entry in ClinVar:

ClinVar aggregate classification (germline): Likely benign (0 of 4 stars; one submission).

Conditions:
KCNQ1-related disorder. Also called: KCNQ1-related condition; KCNQ1-related disorders. Identifiers: MedGen CN239322.

Allele frequency attached by ClinVar (database versions not stated): gnomAD exomes 0.00001.
gnomAD v4.1: 4 of 398,622 alleles (0.001%); highest among the groups gnomAD compares: Admixed American, 0.0044%; no homozygotes.

Submission:

PreventionGenetics, part of Exact Sciences
Classification: Likely benign for KCNQ1-related condition. Last evaluated: 2020-04-17. Review status: no assertion criteria provided. Collection method: clinical testing. Allele origin: germline.
Comment: This variant is classified as likely benign based on ACMG/AMP sequence variant interpretation guidelines (Richards et al. 2015 PMID: 25741868, with internal and published modifications).

NM_000218.3(KCNQ1):c.1393+24568A>G

Genes: KCNQ1 (potassium voltage-gated channel subfamily Q member 1; plus strand), KCNQ1OT1 (KCNQ1 opposite strand/antisense transcript 1; minus strand). Cytogenetic location: 11p15.5.
Variant type: single nucleotide variant.
Coding change: c.1393+24568A>G on transcript NM_000218.3 (MANE Select); 24568 bases into the intron after coding-DNA position 1393, A replaced by G.
Molecular consequence: intron variant. On other transcripts: non-coding transcript variant (1).
Genome position (GRCh38, 1-based): chr11:2,613,422, A>G. VCF-style: chr11-2613422-A-G. GRCh37 (hg19) VCF-style: chr11-2634652-A-G.
Other names: c.1123+24568A>G (NM_001406837.1); c.1297+24568A>G (NM_001406836.1); c.853+24568A>G (NM_001406838.1); c.1012+24568A>G (NM_181798.2).
Identifiers: ClinVar variation 3054359 (VCV003054359.2), dbSNP rs2493751243, ClinGen allele CA472066923.
Genomic context (GRCh38, chr11:2,613,422, plus strand): 5'-TAGGTTGCTGTGATGTGGGTTGCCTCCAATTATTTGCCACTGAAATCCTTGTTGCTTAAC[A>G]TAGTGCATAGGGTTTTCTATGGAATTCAAAATCAGATGAGCCTTCTTTGTTGCTGGTCCT-3'